The following is an entry in ClinVar:

NM_000264.5(PTCH1):c.267A>C (p.Lys89Asn)

Gene: PTCH1 (patched 1; minus strand). Cytogenetic location: 9q22.32.
Variant type: single nucleotide variant.
Coding change: c.267A>C on transcript NM_000264.5 (MANE Select); coding-DNA position 267, A replaced by C.
Protein change: p.Lys89Asn; replaces lysine 89 with asparagine.
Molecular consequence: missense variant. On other transcripts: 5 prime UTR variant (4), non-coding transcript variant (1).
Genome position (GRCh38, 1-based): chr9:95,506,534, T>G on the plus strand (A>C on the coding strand, the complement: PTCH1 is on the minus strand). VCF-style: chr9-95506534-T-G. GRCh37 (hg19) VCF-style: chr9-98268816-T-G.
Other names: c.69A>C, p.Lys23Asn (NM_001083602.3, NM_001354919.2); c.264A>C, p.Lys88Asn (NM_001083603.3); c.-187A>C (NM_001083604.3, NM_001083605.3, NM_001083606.3 and 1 more transcripts); c.267A>C, p.Lys89Asn (NM_001354918.2); short protein forms K23N, K88N, K89N.
Identifiers: ClinVar variation 1716490 (VCV001716490.8), dbSNP rs2118879258, ClinGen allele CA374120445.

ClinVar aggregate classification (germline): Uncertain significance. Review status: criteria provided, multiple submitters, no conflicts (2 of 4 stars). 2 submissions from 2 submitters: Uncertain significance (2). Last evaluated 2023-05-28.

Conditions:
Hereditary cancer-predisposing syndrome. Also called: Hereditary neoplastic syndrome; Tumor predisposition; Neoplastic Syndromes, Hereditary; Hereditary Cancer Syndrome. Identifiers: Orphanet 140162, MedGen C0027672, MeSH D009386, MONDO:0015356.
Gorlin syndrome. Also called: Nevoid Basal Cell Carcinoma Syndrome; Basal cell nevus syndrome. Identifiers: Orphanet 377, MedGen C0004779, MONDO:0007187.

Submissions (2):

Ambry Genetics
Classification: Uncertain significance for Hereditary cancer-predisposing syndrome. Last evaluated: 2023-05-28. Review status: criteria provided, single submitter. Criteria: Ambry Variant Classification Scheme 2023. Collection method: clinical testing. Allele origin: germline.
Comment: The p.K89N variant (also known as c.267A>C), located in coding exon 2 of the PTCH1 gene, results from an A to C substitution at nucleotide position 267. The lysine at codon 89 is replaced by asparagine, an amino acid with similar properties. This amino acid position is conserved. In addition, this alteration is predicted to be tolerated by in silico analysis. Since supporting evidence is limited at this time, the clinical significance of this alteration remains unclear.

Labcorp Genetics (formerly Invitae), Labcorp
Classification: Uncertain significance for Gorlin syndrome. Last evaluated: 2022-08-16. Review status: criteria provided, single submitter. Criteria: Invitae Variant Classification Sherloc (09022015). Collection method: clinical testing. Allele origin: germline.
Comment: In summary, the available evidence is currently insufficient to determine the role of this variant in disease. Therefore, it has been classified as a Variant of Uncertain Significance. Advanced modeling of protein sequence and biophysical properties (such as structural, functional, and spatial information, amino acid conservation, physicochemical variation, residue mobility, and thermodynamic stability) performed at Invitae indicates that this missense variant is not expected to disrupt PTCH1 protein function. This variant has not been reported in the literature in individuals affected with PTCH1-related conditions. This variant is not present in population databases (gnomAD no frequency). This sequence change replaces lysine, which is basic and polar, with asparagine, which is neutral and polar, at codon 89 of the PTCH1 protein (p.Lys89Asn).